The following is an entry in ClinVar:

ClinVar aggregate classification (germline): Uncertain significance (1 of 4 stars; one submission).

Allele frequency attached by ClinVar (database versions not stated): gnomAD exomes 0.00001; ExAC 0.00002; TOPMed 0.00002.
gnomAD v4.1: 11 of 1,613,618 alleles (0.00068%); highest among the groups gnomAD compares: Admixed American, 0.018%; no homozygotes.

Submission:

Labcorp Genetics (formerly Invitae), Labcorp
Classification: Uncertain significance. Last evaluated: 2023-09-30. Review status: criteria provided, single submitter. Criteria: Invitae Variant Classification Sherloc (09022015). Collection method: clinical testing. Allele origin: germline.
Comment: In summary, the available evidence is currently insufficient to determine the role of this variant in disease. Therefore, it has been classified as a Variant of Uncertain Significance. Advanced modeling of protein sequence and biophysical properties (such as structural, functional, and spatial information, amino acid conservation, physicochemical variation, residue mobility, and thermodynamic stability) performed at Invitae indicates that this missense variant is not expected to disrupt POLR3A protein function. This variant has not been reported in the literature in individuals affected with POLR3A-related conditions. This variant is present in population databases (rs766868727, gnomAD 0.03%). This sequence change replaces leucine, which is neutral and non-polar, with arginine, which is basic and polar, at codon 888 of the POLR3A protein (p.Leu888Arg).

NM_007055.4(POLR3A):c.2663T>G (p.Leu888Arg)

Gene: POLR3A (RNA polymerase III subunit A; minus strand). Cytogenetic location: 10q22.3.
Variant type: single nucleotide variant.
Coding change: c.2663T>G on transcript NM_007055.4 (MANE Select); coding-DNA position 2663, T replaced by G.
Protein change: p.Leu888Arg; replaces leucine 888 with arginine.
Molecular consequence: missense variant.
Genome position (GRCh38, 1-based): chr10:77,993,321, A>C on the plus strand (T>G on the coding strand, the complement: POLR3A is on the minus strand). VCF-style: chr10-77993321-A-C. GRCh37 (hg19) VCF-style: chr10-79753079-A-C.
Other names: short protein forms L888R.
Identifiers: ClinVar variation 2965355 (VCV002965355.1), dbSNP rs766868727, ClinGen allele CA5571053.